The following is an entry in ClinVar:

NM_078480.3(PUF60):c.1276C>T (p.Pro426Ser)

Gene: PUF60 (poly(U) binding splicing factor 60; minus strand). Cytogenetic location: 8q24.3.
Variant type: single nucleotide variant.
Coding change: c.1276C>T on transcript NM_078480.3 (MANE Select); coding-DNA position 1276, C replaced by T.
Protein change: p.Pro426Ser; replaces proline 426 with serine.
Molecular consequence: missense variant.
Genome position (GRCh38, 1-based): chr8:143,817,014, G>A on the plus strand (C>T on the coding strand, the complement: PUF60 is on the minus strand). VCF-style: chr8-143817014-G-A. GRCh37 (hg19) VCF-style: chr8-144899184-G-A.
Other names: c.1147C>T, p.Pro383Ser (NM_001136033.3); c.1222C>T, p.Pro408Ser (NM_001271096.2); c.1138C>T, p.Pro380Ser (NM_001271097.2); c.1273C>T, p.Pro425Ser (NM_001271098.2); c.1189C>T, p.Pro397Ser (NM_001271099.2); c.1096C>T, p.Pro366Ser (NM_001271100.2); c.1387C>T, p.Pro463Ser (NM_001362895.2, NM_001362896.2); c.1336C>T, p.Pro446Ser (NM_001362897.2); and 1 more; short protein forms P366S, P380S, P383S, P397S, P408S, P409S, P425S, P426S.
Identifiers: ClinVar variation 1311349 (VCV001311349.2), dbSNP rs990685735, ClinGen allele CA372487100.

ClinVar aggregate classification (germline): Uncertain significance (1 of 4 stars; one submission).

Allele frequency attached by ClinVar (database versions not stated): TOPMed below 0.00001; gnomAD 0.00001.
gnomAD v4.1: 3 of 1,609,128 alleles (0.00019%); highest among the groups gnomAD compares: Non-Finnish European, 0.00025%; no homozygotes.

Submission:

GeneDx
Classification: Uncertain significance. Last evaluated: 2019-12-18. Review status: criteria provided, single submitter. Criteria: GeneDx Variant Classification Process June 2021. Collection method: clinical testing. Allele origin: germline. Affected: yes.
Comment: Not observed in large population cohorts (Lek et al., 2016); In silico analysis, which includes protein predictors and evolutionary conservation, supports that this variant does not alter protein structure/function; Has not been previously published as pathogenic or benign to our knowledge